The following is an entry in ClinVar:

ClinVar aggregate classification (germline): Uncertain significance. Review status: criteria provided, multiple submitters, no conflicts (2 of 4 stars). 3 submissions from 3 submitters: Uncertain significance (3). Last evaluated 2025-08-13.

Conditions:
Inborn genetic diseases. Identifiers: MedGen C0950123, MeSH D030342.

Allele frequency attached by ClinVar (database versions not stated): gnomAD 0.00003; gnomAD exomes 0.00004; ExAC 0.00007; ESP Exome Variant Server 0.00008; 1000 Genomes Project 0.00020; 1000 Genomes Project 30x 0.00031.
gnomAD v4.1: 47 of 1,613,908 alleles (0.0029%); highest among the groups gnomAD compares: Admixed American, 0.005%; no homozygotes.

Submissions (3):

Ambry Genetics
Classification: Uncertain significance for Inborn genetic diseases. Last evaluated: 2025-08-13. Review status: criteria provided, single submitter. Criteria: Ambry Variant Classification Scheme 2023. Collection method: clinical testing. Allele origin: germline.

Blueprint Genetics
Classification: Uncertain significance. Last evaluated: 2024-10-01. Review status: criteria provided, single submitter. Criteria: ACMG Guidelines, 2015. Collection method: clinical testing. Allele origin: germline.

Labcorp Genetics (formerly Invitae), Labcorp
Classification: Uncertain significance. Last evaluated: 2022-08-20. Review status: criteria provided, single submitter. Criteria: Invitae Variant Classification Sherloc (09022015). Collection method: clinical testing. Allele origin: germline.
Comment: This sequence change replaces alanine, which is neutral and non-polar, with valine, which is neutral and non-polar, at codon 746 of the LAMC3 protein (p.Ala746Val). This variant is present in population databases (rs138823998, gnomAD 0.009%). This variant has not been reported in the literature in individuals affected with LAMC3-related conditions. ClinVar contains an entry for this variant (Variation ID: 1474968). Algorithms developed to predict the effect of missense changes on protein structure and function output the following: SIFT: "Tolerated"; PolyPhen-2: "Benign"; Align-GVGD: "Class C0". The valine amino acid residue is found in multiple mammalian species, which suggests that this missense change does not adversely affect protein function. In summary, the available evidence is currently insufficient to determine the role of this variant in disease. Therefore, it has been classified as a Variant of Uncertain Significance.

NM_006059.4(LAMC3):c.2237C>T (p.Ala746Val)

Gene: LAMC3 (laminin subunit gamma 3; plus strand). Cytogenetic location: 9q34.12.
Variant type: single nucleotide variant.
Coding change: c.2237C>T on transcript NM_006059.4 (MANE Select); coding-DNA position 2237, C replaced by T.
Protein change: p.Ala746Val; replaces alanine 746 with valine.
Molecular consequence: missense variant.
Genome position (GRCh38, 1-based): chr9:131,061,113, C>T. VCF-style: chr9-131061113-C-T. GRCh37 (hg19) VCF-style: chr9-133936500-C-T.
Other names: c.2237C>T (NM_006059.3); short protein forms A746V.
Identifiers: ClinVar variation 1474968 (VCV001474968.5), dbSNP rs138823998, ClinGen allele CA5287362.